The following is an entry in ClinVar:

NM_013254.4(TBK1):c.1382del (p.Lys461fs)

Gene: TBK1 (TANK binding kinase 1; plus strand). Cytogenetic location: 12q14.2.
Variant type: Deletion.
Coding change: c.1382del on transcript NM_013254.4 (MANE Select); coding-DNA position 1382, one base deleted (A; older notation c.1382delA).
Protein change: p.Lys461fs; shifts the reading frame from lysine 461.
Molecular consequence: frameshift variant.
Genome position (GRCh38, 1-based): chr12:64,488,528, A deleted; the last of 5 consecutive A bases (chr12:64,488,524-64,488,528); deleting any one gives the same sequence. VCF-style (leftmost placement, unchanged base first): chr12-64488523-CA-C. GRCh37 (hg19) VCF-style: chr12-64882303-CA-C.
Other names: short protein forms K461fs.
Identifiers: ClinVar variation 4708847 (VCV004708847.1).

ClinVar aggregate classification (germline): Pathogenic (1 of 4 stars; one submission).

Conditions:
Frontotemporal dementia and/or amyotrophic lateral sclerosis 4. Also called: FTDALS4. Identifiers: Orphanet 275872, MedGen C4225325, MONDO:0014641, OMIM 616439.

Submission:

Labcorp Genetics (formerly Invitae), Labcorp
Classification: Pathogenic for Frontotemporal dementia and/or amyotrophic lateral sclerosis 4. Last evaluated: 2026-01-25. Review status: criteria provided, single submitter. Criteria: Invitae Variant Classification Sherloc (09022015). Collection method: clinical testing. Allele origin: germline.
Comment: This sequence change creates a premature translational stop signal (p.Lys461Argfs*5) in the TBK1 gene. It is expected to result in an absent or disrupted protein product. Loss-of-function variants in TBK1 are known to be pathogenic (PMID: 25803835, 26476236, 26581300). This variant is not present in population databases (gnomAD no frequency). This variant has not been reported in the literature in individuals affected with TBK1-related conditions. For these reasons, this variant has been classified as Pathogenic.

Literature cited by the submitters: PubMed 25803835; PubMed 26476236; PubMed 26581300.